The following is an entry in ClinVar:

ClinVar aggregate classification (germline): Uncertain significance (1 of 4 stars; one submission).

Conditions:
Charcot-Marie-Tooth disease type 4A. Also called: Charcot-Marie-Tooth disease, demyelinating, autosomal recessive, type 4a. Identifiers: Orphanet 99948, MedGen C1859198, MONDO:0008961, OMIM 214400.

Allele frequency attached by ClinVar (database versions not stated): gnomAD exomes below 0.00001.
gnomAD v4.1: 3 of 1,611,258 alleles (0.00019%); highest among the groups gnomAD compares: Non-Finnish European, 0.00025%; no homozygotes.

Submission:

Labcorp Genetics (formerly Invitae), Labcorp
Classification: Uncertain significance for Charcot-Marie-Tooth disease type 4A. Last evaluated: 2023-04-09. Review status: criteria provided, single submitter. Criteria: Invitae Variant Classification Sherloc (09022015). Collection method: clinical testing. Allele origin: germline.
Comment: In summary, the available evidence is currently insufficient to determine the role of this variant in disease. Therefore, it has been classified as a Variant of Uncertain Significance. An algorithm developed to predict the effect of missense changes on protein structure and function (PolyPhen-2) suggests that this variant is likely to be disruptive. This variant has not been reported in the literature in individuals affected with GDAP1-related conditions. This variant is present in population databases (no rsID available, gnomAD 0.0009%). This sequence change replaces tyrosine, which is neutral and polar, with aspartic acid, which is acidic and polar, at codon 29 of the GDAP1 protein (p.Tyr29Asp).

NM_018972.4(GDAP1):c.85T>G (p.Tyr29Asp)

Genes: GDAP1 (ganglioside induced differentiation associated protein 1; plus strand), LOC130000622 (ATAC-STARR-seq lymphoblastoid active region 27542; plus strand). Cytogenetic location: 8q21.11.
Variant type: single nucleotide variant.
Coding change: c.85T>G on transcript NM_018972.4 (MANE Select); coding-DNA position 85, T replaced by G.
Protein change: p.Tyr29Asp; replaces tyrosine 29 with aspartic acid.
Molecular consequence: missense variant. On other transcripts: 5 prime UTR variant (2), intron variant (1).
Genome position (GRCh38, 1-based): chr8:74,350,546, T>G. VCF-style: chr8-74350546-T-G. GRCh37 (hg19) VCF-style: chr8-75262781-T-G.
Other names: c.-98T>G (NM_001362929.2); c.85T>G, p.Tyr29Asp (NM_001362930.2, NM_001362931.2); c.-50T>G (NM_001362932.2); c.-64+74T>G (NM_001040875.4); short protein forms Y29D.
Identifiers: ClinVar variation 2854201 (VCV002854201.3), dbSNP rs1283049548, ClinGen allele CA371499141.